The following is an entry in ClinVar:

ClinVar aggregate classification (germline): Uncertain significance (1 of 4 stars; one submission).

Submission:

Labcorp Genetics (formerly Invitae), Labcorp
Classification: Uncertain significance. Last evaluated: 2024-04-11. Review status: criteria provided, single submitter. Criteria: Invitae Variant Classification Sherloc (09022015). Collection method: clinical testing. Allele origin: germline.
Comment: This sequence change replaces aspartic acid, which is acidic and polar, with asparagine, which is neutral and polar, at codon 156 of the ALPL protein (p.Asp156Asn). This variant is not present in population databases (gnomAD no frequency). This variant has not been reported in the literature in individuals affected with ALPL-related conditions. Advanced modeling of protein sequence and biophysical properties (such as structural, functional, and spatial information, amino acid conservation, physicochemical variation, residue mobility, and thermodynamic stability) performed at Invitae indicates that this missense variant is expected to disrupt ALPL protein function with a positive predictive value of 95%. In summary, the available evidence is currently insufficient to determine the role of this variant in disease. Therefore, it has been classified as a Variant of Uncertain Significance.

NM_000478.6(ALPL):c.466G>A (p.Asp156Asn)

Gene: ALPL (alkaline phosphatase, biomineralization associated; plus strand). Cytogenetic location: 1p36.12.
Variant type: single nucleotide variant.
Coding change: c.466G>A on transcript NM_000478.6 (MANE Select); coding-DNA position 466, G replaced by A.
Protein change: p.Asp156Asn; replaces aspartic acid 156 with asparagine.
Molecular consequence: missense variant.
Genome position (GRCh38, 1-based): chr1:21,563,278, G>A. VCF-style: chr1-21563278-G-A. GRCh37 (hg19) VCF-style: chr1-21889771-G-A.
Other names: c.301G>A, p.Asp101Asn (NM_001127501.4); c.235G>A, p.Asp79Asn (NM_001177520.3); c.466G>A, p.Asp156Asn (NM_001369803.2, NM_001369804.2, NM_001369805.2); short protein forms D101N, D156N, D79N.
Identifiers: ClinVar variation 3672724 (VCV003672724.2).